The following is an entry in ClinVar:

ClinVar aggregate classification (germline): Likely benign (1 of 4 stars; one submission).

Submission:

Mayo Clinic Laboratories, Mayo Clinic
Classification: Likely benign. Last evaluated: 2025-11-15. Review status: criteria provided, single submitter. Criteria: ACMG Guidelines, 2015. Collection method: clinical testing. Allele origin: germline. Observed: 7 variant alleles.
Comment: BP4, BP7

NM_024678.6(NARS2):c.1165-7del

Gene: NARS2 (asparaginyl-tRNA synthetase 2, mitochondrial; minus strand). Cytogenetic location: 11q14.1.
Variant type: Deletion.
Coding change: c.1165-7del on transcript NM_024678.6 (MANE Select); 7 bases into the intron before coding-DNA position 1165, one base deleted (T; older notation c.1165-7delT).
Molecular consequence: intron variant.
Genome position (GRCh38, 1-based): chr11:78,443,765, A deleted on the plus strand (T on the coding strand, the reverse complement: NARS2 is on the minus strand); the first of 12 consecutive A bases (chr11:78,443,765-78,443,776); deleting any one gives the same sequence. VCF-style (leftmost placement, unchanged base first): chr11-78443764-GA-G. GRCh37 (hg19) VCF-style: chr11-78154810-GA-G.
Other names: p.?; c.484-7del (NM_001425314.1, NM_001243251.2, NM_001425312.1 and 1 more transcripts); c.607-7del (NM_001425310.1); c.934-7del (NM_001425308.1); c.1084-7del (NM_001425303.1, NM_001425302.1); c.937-7del (NM_001425307.1); c.514-7del (NM_001425311.1); c.895-7del (NM_001425309.1); and 5 more.
Identifiers: ClinVar variation 4683666 (VCV004683666.1).